The following is an entry in ClinVar:

NM_003470.3(USP7):c.907-1G>T

Gene: USP7 (ubiquitin specific peptidase 7; minus strand). Cytogenetic location: 16p13.2.
Variant type: single nucleotide variant.
Coding change: c.907-1G>T on transcript NM_003470.3 (MANE Select); the canonical splice acceptor site of the intron before coding-DNA position 907, G replaced by T.
Molecular consequence: splice acceptor variant.
Genome position (GRCh38, 1-based): chr16:8,915,526, C>A on the plus strand (G>T on the coding strand, the complement: USP7 is on the minus strand). VCF-style: chr16-8915526-C-A. GRCh37 (hg19) VCF-style: chr16-9009383-C-A.
Other names: c.733-1G>T (NM_001321858.2); c.859-1G>T (NM_001286457.2); c.610-1G>T (NM_001286458.2).
Identifiers: ClinVar variation 2021161 (VCV002021161.4), dbSNP rs2549240827, ClinGen allele CA394703694.

ClinVar aggregate classification (germline): Likely pathogenic (1 of 4 stars; one submission).

Submission:

Labcorp Genetics (formerly Invitae), Labcorp
Classification: Likely pathogenic. Last evaluated: 2022-08-02. Review status: criteria provided, single submitter. Criteria: Invitae Variant Classification Sherloc (09022015). Collection method: clinical testing. Allele origin: germline.
Comment: In summary, the currently available evidence indicates that the variant is pathogenic, but additional data are needed to prove that conclusively. Therefore, this variant has been classified as Likely Pathogenic. Algorithms developed to predict the effect of sequence changes on RNA splicing suggest that this variant may disrupt the consensus splice site. This variant has not been reported in the literature in individuals affected with USP7-related conditions. This variant is not present in population databases (gnomAD no frequency). This sequence change affects an acceptor splice site in intron 8 of the USP7 gene. It is expected to disrupt RNA splicing. Variants that disrupt the donor or acceptor splice site typically lead to a loss of protein function (PMID: 16199547), and loss-of-function variants in USP7 are known to be pathogenic (PMID: 26365382).

Literature cited by the submitters: PubMed 16199547; PubMed 26365382.